The following is an entry in ClinVar:

NM_005732.4(RAD50):c.3088G>A (p.Glu1030Lys)

Gene: RAD50 (RAD50 double strand break repair protein; plus strand). Cytogenetic location: 5q31.1.
Variant type: single nucleotide variant.
Coding change: c.3088G>A on transcript NM_005732.4 (MANE Select); coding-DNA position 3088, G replaced by A.
Protein change: p.Glu1030Lys; replaces glutamic acid 1030 with lysine.
Molecular consequence: missense variant.
Genome position (GRCh38, 1-based): chr5:132,616,054, G>A. VCF-style: chr5-132616054-G-A. GRCh37 (hg19) VCF-style: chr5-131951746-G-A.
Other names: short protein forms E1030K.
Identifiers: ClinVar variation 482120 (VCV000482120.14), dbSNP rs758803773, ClinGen allele CA3405516.

ClinVar aggregate classification (germline): Uncertain significance. Review status: criteria provided, multiple submitters, no conflicts (2 of 4 stars). 2 submissions from 2 submitters: Uncertain significance (2). Last evaluated 2025-08-04.

Conditions:
Hereditary cancer-predisposing syndrome. Also called: Neoplastic Syndromes, Hereditary; Tumor predisposition; Hereditary Cancer Syndrome; Hereditary neoplastic syndrome. Identifiers: Orphanet 140162, MedGen C0027672, MeSH D009386, MONDO:0015356.

Allele frequency attached by ClinVar (database versions not stated): gnomAD exomes 0.00001 and 0.00002; ExAC 0.00002.
gnomAD v4.1: 12 of 1,607,024 alleles (0.00075%); highest among the groups gnomAD compares: South Asian, 0.0099%; no homozygotes.

Submissions (2):

Labcorp Genetics (formerly Invitae), Labcorp
Classification: Uncertain significance for Hereditary cancer-predisposing syndrome. Last evaluated: 2025-08-04. Review status: criteria provided, single submitter. Criteria: Invitae Variant Classification Sherloc (09022015). Collection method: clinical testing. Allele origin: germline.
Comment: This sequence change replaces glutamic acid, which is acidic and polar, with lysine, which is basic and polar, at codon 1030 of the RAD50 protein (p.Glu1030Lys). This variant is present in population databases (rs758803773, gnomAD 0.02%). This variant has not been reported in the literature in individuals affected with RAD50-related conditions. ClinVar contains an entry for this variant (Variation ID: 482120). Invitae Evidence Modeling of protein sequence and biophysical properties (such as structural, functional, and spatial information, amino acid conservation, physicochemical variation, residue mobility, and thermodynamic stability) indicates that this missense variant is not expected to disrupt RAD50 protein function with a negative predictive value of 80%. In summary, the available evidence is currently insufficient to determine the role of this variant in disease. Therefore, it has been classified as a Variant of Uncertain Significance.

Ambry Genetics
Classification: Uncertain significance for Hereditary cancer-predisposing syndrome. Last evaluated: 2025-03-28. Review status: criteria provided, single submitter. Criteria: Ambry Variant Classification Scheme 2023. Collection method: clinical testing. Allele origin: germline.
Comment: The p.E1030K variant (also known as c.3088G>A), located in coding exon 20 of the RAD50 gene, results from a G to A substitution at nucleotide position 3088. The glutamic acid at codon 1030 is replaced by lysine, an amino acid with similar properties.This amino acid position is highly conserved in available vertebrate species. In addition, the in silico prediction for this alteration is inconclusive. Since supporting evidence is limited at this time, the clinical significance of this alteration remains unclear.